The following is an entry in ClinVar:

NM_001042492.3(NF1):c.3427_3436del (p.His1143fs)

Gene: NF1 (neurofibromin 1; plus strand). Cytogenetic location: 17q11.2.
Variant type: Deletion.
Coding change: c.3427_3436del on transcript NM_001042492.3 (MANE Select); coding-DNA positions 3427 to 3436, 10 bases deleted (CACTGTACGG; older notation c.3427_3436delCACTGTACGG).
Protein change: p.His1143fs; shifts the reading frame from histidine 1143.
Molecular consequence: frameshift variant.
Genome position (GRCh38, 1-based): chr17:31,232,812-31,232,821, CACTGTACGG deleted; deleting any 10 consecutive bases within chr17:31,232,810-31,232,821 gives the same sequence; the c. name uses the placement nearest the transcript's 3' end. VCF-style (leftmost placement, unchanged base first): chr17-31232809-AGGCACTGTAC-A. GRCh37 (hg19) VCF-style: chr17-29559827-AGGCACTGTAC-A.
Other names: c.3427_3436delCACTGTACGG, p.His1143Serfs (NM_000267.4); short protein forms H1143fs.
Identifiers: ClinVar variation 2696603 (VCV002696603.3), dbSNP rs2508232439, ClinGen allele CA2697559791.

ClinVar aggregate classification (germline): Pathogenic (1 of 4 stars; one submission).

Conditions:
Neurofibromatosis, type 1 (NF1). Also called: Peripheral type neurofibromatosis; VON RECKLINGHAUSEN DISEASE; Neurofibromatosis, type I; NEUROFIBROMATOSIS, TYPE I, SOMATIC. Identifiers: Orphanet 636, MedGen C0027831, MONDO:0018975, OMIM 162200. Disease mechanism: loss of function.

Submission:

Labcorp Genetics (formerly Invitae), Labcorp
Classification: Pathogenic for Neurofibromatosis, type 1. Last evaluated: 2023-11-17. Review status: criteria provided, single submitter. Criteria: Invitae Variant Classification Sherloc (09022015). Collection method: clinical testing. Allele origin: germline.
Comment: This sequence change creates a premature translational stop signal (p.His1143Serfs*12) in the NF1 gene. It is expected to result in an absent or disrupted protein product. Loss-of-function variants in NF1 are known to be pathogenic (PMID: 10712197, 23913538). This variant is not present in population databases (gnomAD no frequency). This variant has not been reported in the literature in individuals affected with NF1-related conditions. Algorithms developed to predict the effect of sequence changes on RNA splicing suggest that this variant may disrupt the consensus splice site. For these reasons, this variant has been classified as Pathogenic.

Literature cited by the submitters: PubMed 10712197; PubMed 23913538.